The following is an entry in ClinVar:

ClinVar aggregate classification (germline): Uncertain significance (1 of 4 stars; one submission).

Submission:

Labcorp Genetics (formerly Invitae), Labcorp
Classification: Uncertain significance. Last evaluated: 2022-06-15. Review status: criteria provided, single submitter. Criteria: Invitae Variant Classification Sherloc (09022015). Collection method: clinical testing. Allele origin: germline.
Comment: This sequence change replaces serine, which is neutral and polar, with alanine, which is neutral and non-polar, at codon 733 of the TNNI3K protein (p.Ser733Ala). This variant is not present in population databases (gnomAD no frequency). This variant has not been reported in the literature in individuals affected with TNNI3K-related conditions. Algorithms developed to predict the effect of missense changes on protein structure and function (SIFT, PolyPhen-2, Align-GVGD) all suggest that this variant is likely to be disruptive. In summary, the available evidence is currently insufficient to determine the role of this variant in disease. Therefore, it has been classified as a Variant of Uncertain Significance.

NM_015978.3(TNNI3K):c.2197T>G (p.Ser733Ala)

Genes: FPGT-TNNI3K (FPGT-TNNI3K readthrough; plus strand), LRRC53 (leucine rich repeat containing 53; minus strand), TNNI3K (TNNI3 interacting kinase; plus strand). Cytogenetic location: 1p31.1.
Variant type: single nucleotide variant.
Coding change: c.2197T>G on transcript NM_015978.3 (MANE Select); coding-DNA position 2197, T replaced by G.
Protein change: p.Ser733Ala; replaces serine 733 with alanine.
Molecular consequence: missense variant. On other transcripts: intron variant (2).
Genome position (GRCh38, 1-based): chr1:74,492,112, T>G. VCF-style: chr1-74492112-T-G. GRCh37 (hg19) VCF-style: chr1-74957796-T-G.
Other names: c.2500T>G, p.Ser834Ala (NM_001112808.3); c.-8-11144A>C (NM_001364666.2); c.-26-8737A>C (NM_001382280.1); short protein forms S834A, S733A.
Identifiers: ClinVar variation 1948043 (VCV001948043.5), dbSNP rs1298113998, ClinGen allele CA340799076.